The following is an entry in ClinVar:

ClinVar aggregate classification (germline): Uncertain significance (1 of 4 stars; one submission).

Submission:

GeneDx
Classification: Uncertain significance. Last evaluated: 2024-07-19. Review status: criteria provided, single submitter. Criteria: GeneDx Variant Classification Process June 2021. Collection method: clinical testing. Allele origin: germline. Affected: yes.
Comment: Not observed at significant frequency in large population cohorts (gnomAD); In silico analysis indicates that this missense variant does not alter protein structure/function; Has not been previously published as pathogenic or benign to our knowledge

NM_001379291.1(BRD4):c.2104G>C (p.Glu702Gln)

Gene: BRD4 (bromodomain containing 4; minus strand). Cytogenetic location: 19p13.12.
Variant type: single nucleotide variant.
Coding change: c.2104G>C on transcript NM_001379291.1 (MANE Select); coding-DNA position 2104, G replaced by C.
Protein change: p.Glu702Gln; replaces glutamic acid 702 with glutamine.
Molecular consequence: missense variant.
Genome position (GRCh38, 1-based): chr19:15,254,206, C>G on the plus strand (G>C on the coding strand, the complement: BRD4 is on the minus strand). VCF-style: chr19-15254206-C-G. GRCh37 (hg19) VCF-style: chr19-15365017-C-G.
Other names: c.2104G>C, p.Glu702Gln (NM_001330384.2, NM_001379292.1, NM_014299.3 and 1 more transcripts); short protein forms E702Q.
Identifiers: ClinVar variation 3573911 (VCV003573911.1).